The following is an entry in ClinVar:

NM_172107.4(KCNQ2):c.1528del (p.Ala510fs)

Gene: KCNQ2 (potassium voltage-gated channel subfamily Q member 2; minus strand). Cytogenetic location: 20q13.33.
Variant type: Deletion.
Coding change: c.1528del on transcript NM_172107.4 (MANE Select); coding-DNA position 1528, one base deleted (G; older notation c.1528delG).
Protein change: p.Ala510fs; shifts the reading frame from alanine 510.
Molecular consequence: frameshift variant. On other transcripts: splice acceptor variant (1).
Genome position (GRCh38, 1-based): chr20:63,414,191, C deleted on the plus strand (G on the coding strand, the reverse complement: KCNQ2 is on the minus strand). VCF-style (leftmost placement, unchanged base first): chr20-63414190-GC-G. GRCh37 (hg19) VCF-style: chr20-62045543-GC-G.
Other names: c.1436-1del (NM_172108.5); c.1474del, p.Ala492fs (NM_001382235.1, NM_172106.3); c.1444del, p.Ala482fs (NM_004518.6); short protein forms A492fs, A510fs, A482fs.
Identifiers: ClinVar variation 948360 (VCV000948360.9), dbSNP rs2080213813, ClinGen allele CA1139666778.

ClinVar aggregate classification (germline): Pathogenic (1 of 4 stars; one submission).

Conditions:
Early-infantile DEE. Also called: Early infantile epileptic encephalopathy; Ohtahara syndrome; Early infantile epileptic encephalopathy with suppression bursts. Identifiers: Orphanet 1934, MedGen C0393706, MONDO:0800491.

Submission:

Labcorp Genetics (formerly Invitae), Labcorp
Classification: Pathogenic for Early-infantile DEE. Last evaluated: 2019-04-24. Review status: criteria provided, single submitter. Criteria: Invitae Variant Classification Sherloc (09022015). Collection method: clinical testing. Allele origin: germline.
Comment: Loss-of-function variants in KCNQ2 are known to be pathogenic (PMID: 14534157, 23692823, 27779742). For these reasons, this variant has been classified as Pathogenic. This variant has not been reported in the literature in individuals with KCNQ2-related conditions. This sequence change creates a premature translational stop signal (p.Ala510Glnfs*19) in the KCNQ2 gene. It is expected to result in an absent or disrupted protein product. This variant is not present in population databases (ExAC no frequency).

Literature cited by the submitters: PubMed 14534157; PubMed 23692823; PubMed 27779742.